The following is an entry in ClinVar:

NM_001267550.2(TTN):c.94407del (p.Lys31469_Val31470insTer)

Genes: TTN (titin; minus strand), TTN-AS1 (TTN antisense RNA 1; plus strand). Cytogenetic location: 2q31.2.
Variant type: Deletion.
Coding change: c.94407del on transcript NM_001267550.2 (MANE Select); coding-DNA position 94407, one base deleted (A; older notation c.94407delA).
Protein change: p.Lys31469_Val31470insTer.
Molecular consequence: frameshift variant.
Genome position (GRCh38, 1-based): chr2:178,547,118, T deleted on the plus strand (A on the coding strand, the reverse complement: TTN is on the minus strand); the first of 3 consecutive T bases (chr2:178,547,118-178,547,120); deleting any one gives the same sequence. VCF-style (leftmost placement, unchanged base first): chr2-178547117-CT-C. GRCh37 (hg19) VCF-style: chr2-179411844-CT-C.
Other names: c.89484del, p.Lys29828_Val29829insTer (NM_001256850.1); c.67212del, p.Lys22404_Val22405insTer (NM_003319.4); c.86703del, p.Lys28901_Val28902insTer (NM_133378.4); c.67587del, p.Lys22529_Val22530insTer (NM_133432.3); c.67788del, p.Lys22596_Val22597insTer (NM_133437.4).
Identifiers: ClinVar variation 2135338 (VCV002135338.4), dbSNP rs2469080944, ClinGen allele CA2580064564.

ClinVar aggregate classification (germline): Likely pathogenic (1 of 4 stars; one submission).

Conditions:
Dilated cardiomyopathy 1G (CMD1G). Identifiers: Orphanet 154, MedGen C1858763, MONDO:0011400, OMIM 604145.
Autosomal recessive limb-girdle muscular dystrophy type 2J (LGMDR10). Also called: MUSCULAR DYSTROPHY, LIMB-GIRDLE, AUTOSOMAL RECESSIVE 10; Limb-girdle muscular dystrophy, type 2J. Identifiers: Orphanet 140922, MedGen C1837342, MONDO:0012127, OMIM 608807.

Submission:

Labcorp Genetics (formerly Invitae), Labcorp
Classification: Likely pathogenic for Dilated cardiomyopathy 1G; Autosomal recessive limb-girdle muscular dystrophy type 2J. Last evaluated: 2022-05-08. Review status: criteria provided, single submitter. Criteria: Invitae Variant Classification Sherloc (09022015). Collection method: clinical testing. Allele origin: germline.
Comment: This sequence change creates a premature translational stop signal (p.Val31470*) in the TTN gene. While this is not anticipated to result in nonsense mediated decay, it is expected to create a truncated TTN protein. This variant is not present in population databases (gnomAD no frequency). This variant has not been reported in the literature in individuals affected with TTN-related conditions. This variant is located in the A band of TTN (PMID: 25589632). Truncating variants in this region are significantly overrepresented in patients affected with dilated cardiomyopathy (PMID: 25589632). Truncating variants in this region have also been reported in individuals affected with autosomal recessive centronuclear myopathy (PMID: 23975875). In summary, the currently available evidence indicates that the variant is pathogenic, but additional data are needed to prove that conclusively. Therefore, this variant has been classified as Likely Pathogenic.

Literature cited by the submitters: PubMed 25589632; PubMed 23975875.